The following is an entry in ClinVar:

NM_001048174.2(MUTYH):c.199G>C (p.Ala67Pro)

Gene: MUTYH (mutY DNA glycosylase; minus strand). Cytogenetic location: 1p34.1.
Variant type: single nucleotide variant.
Coding change: c.199G>C on transcript NM_001048174.2 (MANE Select); coding-DNA position 199, G replaced by C.
Protein change: p.Ala67Pro; replaces alanine 67 with proline.
Molecular consequence: missense variant. On other transcripts: 5 prime UTR variant (6), non-coding transcript variant (7).
Genome position (GRCh38, 1-based): chr1:45,333,478, C>G on the plus strand (G>C on the coding strand, the complement: MUTYH is on the minus strand). VCF-style: chr1-45333478-C-G. GRCh37 (hg19) VCF-style: chr1-45799150-C-G.
Other names: c.199G>C, p.Ala67Pro (NM_001048171.2, NM_001048173.2, NM_001293195.2 and 6 more transcripts); c.202G>C, p.Ala68Pro (NM_001048172.2, NM_001407071.1, NM_001407078.1 and 2 more transcripts); c.283G>C, p.Ala95Pro (NM_001128425.2); c.244G>C, p.Ala82Pro (NM_001293190.2); c.232G>C, p.Ala78Pro (NM_001293191.2, NM_001407077.1); c.-78G>C (NM_001293192.2, NM_001293196.2, NM_001407091.1); c.-73G>C (NM_001350650.2, NM_001350651.2, NM_001407082.1); c.274G>C, p.Ala92Pro (NM_001407069.1, NM_012222.3); and 3 more; short protein forms A74P, A81P, A67P, A78P, A82P, A39P, A68P, A92P.
Identifiers: ClinVar variation 4113580 (VCV004113580.1).
Genomic context (GRCh38, chr1:45,333,478, plus strand): 5'-TTCTCCATGGTAGGTCCCGTTTCTCTTGGTCGTACCAGCTTAGCAGGCTCCCTCGGAAGG[C>G]TGTGACTTCAGCTACGTCTCTGAATAGATGGTATGAGGAGACAGAGGCCTGCAATACCAC-3'
Protein context (NP_001041639.1, residues 57-77): HLFRDVAEVT[Ala67Pro]FRGSLLSWYD

ClinVar aggregate classification (germline): Uncertain significance (1 of 4 stars; one submission).

Conditions:
Hereditary cancer-predisposing syndrome. Also called: Hereditary neoplastic syndrome; Neoplastic Syndromes, Hereditary; Tumor predisposition; Hereditary Cancer Syndrome. Identifiers: Orphanet 140162, MedGen C0027672, MeSH D009386, MONDO:0015356.

Submission:

Ambry Genetics
Classification: Uncertain significance for Hereditary cancer-predisposing syndrome. Last evaluated: 2025-08-27. Review status: criteria provided, single submitter. Criteria: Ambry Variant Classification Scheme 2023. Collection method: clinical testing. Allele origin: germline.
Comment: The p.A95P variant (also known as c.283G>C), located in coding exon 3 of the MUTYH gene, results from a G to C substitution at nucleotide position 283. The alanine at codon 95 is replaced by proline, an amino acid with highly similar properties. This amino acid position is conserved. In addition, the in silico prediction for this alteration is inconclusive. Based on the available evidence, the clinical significance of this variant remains unclear.